The following is an entry in ClinVar:

ClinVar aggregate classification (germline): Uncertain significance (1 of 4 stars; one submission).

Conditions:
Multiple congenital anomalies-hypotonia-seizures syndrome 1 (MCAHS1). Also called: PIGN-CDG; Congenital disorder of glycosylation due to PIGN deficiency; GLYCOSYLPHOSPHATIDYLINOSITOL BIOSYNTHESIS DEFECT 3. Identifiers: Orphanet 280633, MedGen C3279775, MONDO:0013563, OMIM 614080.

Allele frequency attached by ClinVar (database versions not stated): TOPMed below 0.00001; ExAC 0.00001; gnomAD exomes 0.00001; ESP Exome Variant Server 0.00008.
gnomAD v4.1: 4 of 1,613,514 alleles (0.00025%); highest among the groups gnomAD compares: Middle Eastern, 0.033%; no homozygotes.

Submission:

Labcorp Genetics (formerly Invitae), Labcorp
Classification: Uncertain significance for Multiple congenital anomalies-hypotonia-seizures syndrome 1. Last evaluated: 2022-07-12. Review status: criteria provided, single submitter. Criteria: Invitae Variant Classification Sherloc (09022015). Collection method: clinical testing. Allele origin: germline.
Comment: This sequence change replaces isoleucine, which is neutral and non-polar, with threonine, which is neutral and polar, at codon 491 of the PIGN protein (p.Ile491Thr). This variant is present in population databases (rs372815436, gnomAD 0.0009%). This variant has not been reported in the literature in individuals affected with PIGN-related conditions. Algorithms developed to predict the effect of missense changes on protein structure and function output the following: SIFT: "Not Available"; PolyPhen-2: "Benign"; Align-GVGD: "Not Available". The threonine amino acid residue is found in multiple mammalian species, which suggests that this missense change does not adversely affect protein function. In summary, the available evidence is currently insufficient to determine the role of this variant in disease. Therefore, it has been classified as a Variant of Uncertain Significance.

NM_176787.5(PIGN):c.1472T>C (p.Ile491Thr)

Gene: PIGN (phosphatidylinositol glycan anchor biosynthesis class N; minus strand). Cytogenetic location: 18q21.33.
Variant type: single nucleotide variant.
Coding change: c.1472T>C on transcript NM_176787.5 (MANE Select); coding-DNA position 1472, T replaced by C.
Protein change: p.Ile491Thr; replaces isoleucine 491 with threonine.
Molecular consequence: missense variant.
Genome position (GRCh38, 1-based): chr18:62,109,936, A>G on the plus strand (T>C on the coding strand, the complement: PIGN is on the minus strand). VCF-style: chr18-62109936-A-G. GRCh37 (hg19) VCF-style: chr18-59777169-A-G.
Other names: c.1472T>C, p.Ile491Thr (NM_012327.6); short protein forms I491T.
Identifiers: ClinVar variation 1976115 (VCV001976115.2), dbSNP rs372815436, ClinGen allele CA8982276.